The following is an entry in ClinVar:

NM_058216.3(RAD51C):c.912T>C (p.Ser304=)

Gene: RAD51C (RAD51 paralog C; plus strand). Cytogenetic location: 17q22.
Variant type: single nucleotide variant.
Coding change: c.912T>C on transcript NM_058216.3 (MANE Select); coding-DNA position 912, T replaced by C.
Protein change: p.Ser304=; no amino-acid change (serine 304 retained).
Molecular consequence: synonymous variant. On other transcripts: non-coding transcript variant (1).
Genome position (GRCh38, 1-based): chr17:58,724,047, T>C. VCF-style: chr17-58724047-T-C. GRCh37 (hg19) VCF-style: chr17-56801408-T-C.
Identifiers: ClinVar variation 231187 (VCV000231187.18), dbSNP rs876659009, ClinGen allele CA10580756.

ClinVar aggregate classification (germline): Benign/Likely benign. Review status: criteria provided, multiple submitters, no conflicts (2 of 4 stars). 5 submissions from 5 submitters: Benign (1); Likely benign (4). Last evaluated 2026-01-05.

Conditions:
Hereditary cancer-predisposing syndrome. Also called: Hereditary Cancer Syndrome; Neoplastic Syndromes, Hereditary; Tumor predisposition; Hereditary neoplastic syndrome. Identifiers: Orphanet 140162, MedGen C0027672, MeSH D009386, MONDO:0015356.
Breast-ovarian cancer, familial, susceptibility to, 3. Also called: RAD51C-Related Breast/Ovarian Cancer. Identifiers: Orphanet 145, MedGen C3150659, MONDO:0013253, OMIM 613399.
Fanconi anemia complementation group O. Also called: RAD51C-Related Fanconi Anemia. Identifiers: Orphanet 84, MedGen C3150653, MONDO:0013248, OMIM 613390.

Allele frequency attached by ClinVar (database versions not stated): gnomAD exomes below 0.00001.
gnomAD v4.1: 5 of 1,612,814 alleles (0.00031%); highest among the groups gnomAD compares: East Asian, 0.0022%; no homozygotes.

Submissions (5):

Labcorp Genetics (formerly Invitae), Labcorp
Classification: Likely benign for Fanconi anemia complementation group O. Last evaluated: 2026-01-05. Review status: criteria provided, single submitter. Criteria: Invitae Variant Classification Sherloc (09022015). Collection method: clinical testing. Allele origin: germline.

Myriad Genetics, Inc.
Classification: Benign for Breast-ovarian cancer, familial, susceptibility to, 3. Last evaluated: 2025-02-19. Review status: criteria provided, single submitter. Criteria: Myriad Autosomal Dominant, Autosomal Recessive and X-Linked Classification Criteria (2023). Collection method: clinical testing. Allele origin: unknown.
Comment: This variant is considered benign. This variant is a silent/synonymous amino acid change and it is not expected to impact splicing.

Color Diagnostics, LLC DBA Color Health
Classification: Likely benign for Hereditary cancer-predisposing syndrome. Last evaluated: 2018-11-29. Review status: criteria provided, single submitter. Criteria: ACMG Guidelines, 2015. Collection method: clinical testing. Allele origin: germline.

GeneDx
Classification: Likely benign. Last evaluated: 2015-11-06. Review status: criteria provided, single submitter. Criteria: GeneDx Variant Classification (06012015). Collection method: clinical testing. Allele origin: germline. Affected: yes.
Comment: This variant is considered likely benign or benign based on one or more of the following criteria: it is a conservative change, it occurs at a poorly conserved position in the protein, it is predicted to be benign by multiple in silico algorithms, and/or has population frequency not consistent with disease.

Ambry Genetics
Classification: Likely benign for Hereditary cancer-predisposing syndrome. Last evaluated: 2015-04-06. Review status: criteria provided, single submitter. Criteria: Ambry Variant Classification Scheme 2023. Collection method: clinical testing. Allele origin: germline.